The following is an entry in ClinVar:

ClinVar aggregate classification (germline): Benign. Review status: criteria provided, multiple submitters, no conflicts (2 of 4 stars). 4 submissions from 4 submitters: Benign (2). 2 of the submissions do not count toward it. Last evaluated 2023-11-12.

Submissions (4):

Unidad de Genómica Garrahan, Hospital de Pediatría Garrahan
Classification: Benign. Last evaluated: 2023-11-12. Review status: criteria provided, single submitter. Criteria: ACMG Guidelines, 2015. Collection method: clinical testing. Allele origin: germline. Affected: no. Observed: 69 variant alleles.
Comment: This variant is classified as Benign based on local population frequency. This variant was detected in 72% of patients studied by a panel of primary immunodeficiencies. Number of patients: 69. Only high quality variants are reported.

GeneDx
Classification: Benign. Last evaluated: 2019-08-10. Review status: criteria provided, single submitter. Criteria: GeneDx Variant Classification Process June 2021. Collection method: clinical testing. Allele origin: germline. Affected: yes.

Clinical Genetics Laboratory, Department of Pathology, Netherlands Cancer Institute
Classification: Benign. Review status: no assertion criteria provided. Collection method: clinical testing. Allele origin: germline. Affected: yes. Study: VKGL Data-share Consensus. Not counted in ClinVar's aggregate classification.

Clinical Genetics, Academic Medical Center
Classification: Likely benign. Review status: no assertion criteria provided. Collection method: clinical testing. Allele origin: germline. Affected: yes. Study: VKGL Data-share Consensus. Not counted in ClinVar's aggregate classification.

NM_000051.4(ATM):c.6573-42del

Genes: ATM (ATM serine/threonine kinase; plus strand), C11orf65 (chromosome 11 open reading frame 65; minus strand). Cytogenetic location: 11q22.3.
Variant type: Deletion.
Coding change: c.6573-42del on transcript NM_000051.4 (MANE Select); 42 bases into the intron before coding-DNA position 6573, one base deleted (T; older notation c.6573-42delT).
Molecular consequence: intron variant.
Genome position (GRCh38, 1-based): chr11:108,325,268, T deleted; the last of 19 consecutive T bases (chr11:108,325,250-108,325,268); deleting any one gives the same sequence. VCF-style (leftmost placement, unchanged base first): chr11-108325249-GT-G. GRCh37 (hg19) VCF-style: chr11-108195976-GT-G.
Other names: c.6573-42del (NM_001351834.2); c.641-16179del (NM_001330368.2); c.*38+9970del (NM_001351110.2).
Identifiers: ClinVar variation 1252304 (VCV001252304.7), dbSNP rs11366542, ClinGen allele CA228411796.